The following is an entry in ClinVar:

NM_006516.4(SLC2A1):c.1198C>A (p.Arg400Ser)

Gene: SLC2A1 (solute carrier family 2 member 1; minus strand). Cytogenetic location: 1p34.2.
Variant type: single nucleotide variant.
Coding change: c.1198C>A on transcript NM_006516.4 (MANE Select); coding-DNA position 1198, C replaced by A.
Protein change: p.Arg400Ser; replaces arginine 400 with serine.
Molecular consequence: missense variant.
Genome position (GRCh38, 1-based): chr1:42,927,685, G>T on the plus strand (C>A on the coding strand, the complement: SLC2A1 is on the minus strand). VCF-style: chr1-42927685-G-T. GRCh37 (hg19) VCF-style: chr1-43393356-G-T.
Other names: short protein forms R400S.
Identifiers: ClinVar variation 2804586 (VCV002804586.3), dbSNP rs796053263, ClinGen allele CA339953859.
Genomic context (GRCh38, chr1:42,927,685, plus strand): 5'-TGCCCACAATGAAATTTGAGGTCCAGTTGGAGAAGCCTGCAACGGCAATGGCAGCTGGAC[G>T]TGGACCCTGGCTGAAGAGTTCAGCCACGATGAACCATGGGATGGGGCCAGGACCCACTTC-3'
Protein context (NP_006507.2, residues 390-410): IVAELFSQGP[Arg400Ser]PAAIAVAGFS

ClinVar aggregate classification (germline): Likely pathogenic (1 of 4 stars; one submission).

Conditions:
GLUT1 deficiency syndrome 1, autosomal recessive. Identifiers: MedGen C3149117.

Submission:

Labcorp Genetics (formerly Invitae), Labcorp
Classification: Likely pathogenic for GLUT1 deficiency syndrome 1, autosomal recessive. Last evaluated: 2023-01-22. Review status: criteria provided, single submitter. Criteria: Invitae Variant Classification Sherloc (09022015). Collection method: clinical testing. Allele origin: germline.
Comment: This variant is not present in population databases (gnomAD no frequency). In summary, the currently available evidence indicates that the variant is pathogenic, but additional data are needed to prove that conclusively. Therefore, this variant has been classified as Likely Pathogenic. This variant disrupts the p.Arg400 amino acid residue in SLC2A1. Other variant(s) that disrupt this residue have been determined to be pathogenic (PMID: 21555602, 22704013, 22976442, 25487684, 26193382). This suggests that this residue is clinically significant, and that variants that disrupt this residue are likely to be disease-causing. Advanced modeling of protein sequence and biophysical properties (such as structural, functional, and spatial information, amino acid conservation, physicochemical variation, residue mobility, and thermodynamic stability) performed at Invitae indicates that this missense variant is expected to disrupt SLC2A1 protein function. This variant has not been reported in the literature in individuals affected with SLC2A1-related conditions. This sequence change replaces arginine, which is basic and polar, with serine, which is neutral and polar, at codon 400 of the SLC2A1 protein (p.Arg400Ser).

Literature cited by the submitters: PubMed 21555602; PubMed 22704013; PubMed 22976442; PubMed 25487684; PubMed 26193382.